The following is an entry in ClinVar:

ClinVar aggregate classification (germline): Benign (1 of 4 stars; one submission).

Allele frequency attached by ClinVar (database versions not stated): 1000 Genomes Project 30x 0.79747; 1000 Genomes Project 0.79892; TOPMed 0.80497; gnomAD 0.81957 and 0.82389.
gnomAD v4.1: 125,281 of 152,152 alleles (82%); highest among the groups gnomAD compares: Non-Finnish European, 90%; 52,384 homozygotes.

Submission:

GeneDx
Classification: Benign. Last evaluated: 2018-06-16. Review status: criteria provided, single submitter. Criteria: GeneDx Variant Classification (06012015). Collection method: clinical testing. Allele origin: germline. Affected: yes.
Comment: This variant is considered likely benign or benign based on one or more of the following criteria: it is a conservative change, it occurs at a poorly conserved position in the protein, it is predicted to be benign by multiple in silico algorithms, and/or has population frequency not consistent with disease.

NM_152594.3(SPRED1):c.685-184C>T

Gene: SPRED1 (sprouty related EVH1 domain containing 1; plus strand). Cytogenetic location: 15q14.
Variant type: single nucleotide variant.
Coding change: c.685-184C>T on transcript NM_152594.3 (MANE Select); 184 bases into the intron before coding-DNA position 685, C replaced by T.
Molecular consequence: intron variant.
Genome position (GRCh38, 1-based): chr15:38,350,830, C>T. VCF-style: chr15-38350830-C-T. GRCh37 (hg19) VCF-style: chr15-38643031-C-T.
Identifiers: ClinVar variation 561483 (VCV000561483.1), dbSNP rs12914722, ClinGen allele CA14130323.
Genomic context (GRCh38, chr15:38,350,830, plus strand): 5'-GGGGGAGCTCAGTCTTAGTTCTAGTAAAGCCTTCAACTGATTTTATGAGGTCCGCCTATA[C>T]CACAGAAGGTACTGTGCTTTCCTCATAGTCCACCAACTGAAATGTTGATCTCATCCCAAA-3'